The following is an entry in ClinVar:

ClinVar aggregate classification (germline): Uncertain significance (1 of 4 stars; one submission).

Allele frequency attached by ClinVar (database versions not stated): gnomAD exomes below 0.00001.
gnomAD v4.1: 1 of 1,613,282 alleles (0.000062%); highest among the groups gnomAD compares: Admixed American, 0.0017%; no homozygotes.

Submission:

Labcorp Genetics (formerly Invitae), Labcorp
Classification: Uncertain significance. Last evaluated: 2022-06-19. Review status: criteria provided, single submitter. Criteria: Invitae Variant Classification Sherloc (09022015). Collection method: clinical testing. Allele origin: germline.
Comment: This sequence change replaces proline, which is neutral and non-polar, with serine, which is neutral and polar, at codon 1284 of the LRP5 protein (p.Pro1284Ser). Advanced modeling of protein sequence and biophysical properties (such as structural, functional, and spatial information, amino acid conservation, physicochemical variation, residue mobility, and thermodynamic stability) performed at Invitae indicates that this missense variant is not expected to disrupt LRP5 protein function. This variant has not been reported in the literature in individuals affected with LRP5-related conditions. This variant is not present in population databases (gnomAD no frequency). In summary, the available evidence is currently insufficient to determine the role of this variant in disease. Therefore, it has been classified as a Variant of Uncertain Significance.

NM_002335.4(LRP5):c.3850C>T (p.Pro1284Ser)

Gene: LRP5 (LDL receptor related protein 5; plus strand). Cytogenetic location: 11q13.2.
Variant type: single nucleotide variant.
Coding change: c.3850C>T on transcript NM_002335.4 (MANE Select); coding-DNA position 3850, C replaced by T.
Protein change: p.Pro1284Ser; replaces proline 1284 with serine.
Molecular consequence: missense variant.
Genome position (GRCh38, 1-based): chr11:68,433,688, C>T. VCF-style: chr11-68433688-C-T. GRCh37 (hg19) VCF-style: chr11-68201156-C-T.
Other names: c.2107C>T, p.Pro703Ser (NM_001291902.2); short protein forms P1284S, P703S.
Identifiers: ClinVar variation 1995635 (VCV001995635.4), dbSNP rs939617852, ClinGen allele CA224250887.